The following is an entry in ClinVar:

NM_001080449.3(DNA2):c.2582G>A (p.Arg861His)

Gene: DNA2 (DNA replication helicase/nuclease 2; minus strand). Cytogenetic location: 10q21.3.
Variant type: single nucleotide variant.
Coding change: c.2582G>A on transcript NM_001080449.3 (MANE Select); coding-DNA position 2582, G replaced by A.
Protein change: p.Arg861His; replaces arginine 861 with histidine.
Molecular consequence: missense variant. On other transcripts: non-coding transcript variant (1).
Genome position (GRCh38, 1-based): chr10:68,422,340, C>T on the plus strand (G>A on the coding strand, the complement: DNA2 is on the minus strand). VCF-style: chr10-68422340-C-T. GRCh37 (hg19) VCF-style: chr10-70182097-C-T.
Other names: short protein forms R861H.
Identifiers: ClinVar variation 1931822 (VCV001931822.30), dbSNP rs1273802326, ClinGen allele CA376845646.

ClinVar aggregate classification (germline): Uncertain significance. Review status: criteria provided, multiple submitters, no conflicts (2 of 4 stars). 3 submissions from 3 submitters: Uncertain significance (3). Last evaluated 2023-10-01.

Conditions:
Inborn genetic diseases. Identifiers: MedGen C0950123, MeSH D030342.

gnomAD v4.1: 12 of 1,613,814 alleles (0.00074%); highest among the groups gnomAD compares: South Asian, 0.0066%; 1 homozygote.

Submissions (3):

CeGaT Center for Human Genetics Tuebingen
Classification: Uncertain significance. Last evaluated: 2023-10-01. Review status: criteria provided, single submitter. Criteria: CeGaT Center For Human Genetics Tuebingen Variant Classification Criteria Version 2. Collection method: clinical testing. Allele origin: germline. Affected: yes. Observed: 1 variant allele.

Ambry Genetics
Classification: Uncertain significance for Inborn genetic diseases. Last evaluated: 2022-12-05. Review status: criteria provided, single submitter. Criteria: Ambry Variant Classification Scheme 2023. Collection method: clinical testing. Allele origin: germline.

Labcorp Genetics (formerly Invitae), Labcorp
Classification: Uncertain significance. Last evaluated: 2022-06-04. Review status: criteria provided, single submitter. Criteria: Invitae Variant Classification Sherloc (09022015). Collection method: clinical testing. Allele origin: germline.
Comment: In summary, the available evidence is currently insufficient to determine the role of this variant in disease. Therefore, it has been classified as a Variant of Uncertain Significance. Algorithms developed to predict the effect of missense changes on protein structure and function are either unavailable or do not agree on the potential impact of this missense change (SIFT: "Deleterious"; PolyPhen-2: "Not Available"; Align-GVGD: "Class C0"). This variant has not been reported in the literature in individuals affected with DNA2-related conditions. This variant is present in population databases (no rsID available, gnomAD 0.003%). This sequence change replaces arginine, which is basic and polar, with histidine, which is basic and polar, at codon 861 of the DNA2 protein (p.Arg861His).